The following is an entry in ClinVar:

ClinVar aggregate classification (germline): Pathogenic (1 of 4 stars; one submission).

Conditions:
Intellectual developmental disorder, autosomal dominant 1. Also called: Intellectual disability, autosomal dominant 1; MBD5 Haploinsufficiency. Identifiers: Orphanet 228402, MedGen C1969562, MONDO:0007974, OMIM 156200.

Submission:

Baylor Genetics
Classification: Pathogenic for Intellectual developmental disorder, autosomal dominant 1. Last evaluated: 2017-09-01. Review status: criteria provided, single submitter. Criteria: ACMG Guidelines, 2015. Collection method: clinical testing. Allele origin: de novo. Inheritance: Autosomal dominant inheritance. Affected: yes.

Literature cited by the submitters: PubMed 25326635.

NM_001378120.1(MBD5):c.4934C>A (p.Ser1645Ter)

Gene: MBD5 (methyl-CpG binding domain protein 5; plus strand). Cytogenetic location: 2q23.1.
Variant type: single nucleotide variant.
Coding change: c.4934C>A on transcript NM_001378120.1 (MANE Select); coding-DNA position 4934, C replaced by A.
Protein change: p.Ser1645Ter; replaces serine 1645 with a stop codon.
Molecular consequence: nonsense.
Genome position (GRCh38, 1-based): chr2:148,490,566, C>A. VCF-style: chr2-148490566-C-A. GRCh37 (hg19) VCF-style: chr2-149248135-C-A.
Other names: c.4235C>A, p.Ser1412Ter (NM_018328.5); short protein forms S1412*, S1645*.
Identifiers: ClinVar variation 561057 (VCV000561057.2), dbSNP rs1559099927, ClinGen allele CA348732059.